The following is an entry in ClinVar:

NM_152703.5(SAMD9L):c.3890G>A (p.Ser1297Asn)

Gene: SAMD9L (sterile alpha motif domain containing 9 like; minus strand). Cytogenetic location: 7q21.2.
Variant type: single nucleotide variant.
Coding change: c.3890G>A on transcript NM_152703.5 (MANE Select); coding-DNA position 3890, G replaced by A.
Protein change: p.Ser1297Asn; replaces serine 1297 with asparagine.
Molecular consequence: missense variant.
Genome position (GRCh38, 1-based): chr7:93,132,082, C>T on the plus strand (G>A on the coding strand, the complement: SAMD9L is on the minus strand). VCF-style: chr7-93132082-C-T. GRCh37 (hg19) VCF-style: chr7-92761395-C-T.
Other names: c.3890G>A, p.Ser1297Asn (NM_001303496.3, NM_001303497.3, NM_001303498.3 and 5 more transcripts); short protein forms S1297N.
Identifiers: ClinVar variation 3437251 (VCV003437251.3).

ClinVar aggregate classification (germline): Uncertain significance. Review status: criteria provided, multiple submitters, no conflicts (2 of 4 stars). 2 submissions from 2 submitters: Uncertain significance (2). Last evaluated 2026-01-06.

Conditions:
Inborn genetic diseases. Identifiers: MedGen C0950123, MeSH D030342.

gnomAD v4.1: 63 of 1,613,670 alleles (0.0039%); highest among the groups gnomAD compares: East Asian, 0.14%; no homozygotes.

Submissions (2):

Labcorp Genetics (formerly Invitae), Labcorp
Classification: Uncertain significance. Last evaluated: 2026-01-06. Review status: criteria provided, single submitter. Criteria: Invitae Variant Classification Sherloc (09022015). Collection method: clinical testing. Allele origin: germline.
Comment: This sequence change replaces serine, which is neutral and polar, with asparagine, which is neutral and polar, at codon 1297 of the SAMD9L protein (p.Ser1297Asn). This variant is not present in population databases (gnomAD no frequency). This variant has not been reported in the literature in individuals affected with SAMD9L-related conditions. ClinVar contains an entry for this variant (Variation ID: 3437251). Invitae Evidence Modeling of protein sequence and biophysical properties (such as structural, functional, and spatial information, amino acid conservation, physicochemical variation, residue mobility, and thermodynamic stability) indicates that this missense variant is not expected to disrupt SAMD9L protein function with a negative predictive value of 80%. In summary, the available evidence is currently insufficient to determine the role of this variant in disease. Therefore, it has been classified as a Variant of Uncertain Significance.

Ambry Genetics
Classification: Uncertain significance for Inborn genetic diseases. Last evaluated: 2024-12-10. Review status: criteria provided, single submitter. Criteria: Ambry Variant Classification Scheme 2023. Collection method: clinical testing. Allele origin: germline.
Comment: The p.S1297N variant (also known as c.3890G>A), located in coding exon 1 of the SAMD9L gene, results from a G to A substitution at nucleotide position 3890. The serine at codon 1297 is replaced by asparagine, an amino acid with highly similar properties. This amino acid position is conserved. In addition, this alteration is predicted to be tolerated by in silico analysis. Based on the available evidence, the clinical significance of this variant remains unclear.